The following is an entry in ClinVar:

NM_000038.6(APC):c.1984del (p.Leu662fs)

Gene: APC (APC regulator of Wnt signaling pathway; plus strand). Cytogenetic location: 5q22.2.
Variant type: Deletion.
Coding change: c.1984del on transcript NM_000038.6 (MANE Select); coding-DNA position 1984, one base deleted (C; older notation c.1984delC).
Protein change: p.Leu662fs; shifts the reading frame from leucine 662.
Molecular consequence: frameshift variant. On other transcripts: non-coding transcript variant (2).
Genome position (GRCh38, 1-based): chr5:112,837,578, C deleted. VCF-style (leftmost placement, unchanged base first): chr5-112837577-TC-T. GRCh37 (hg19) VCF-style: chr5-112173274-TC-T.
Other names: c.1930del, p.Leu644fs (NM_001127511.3); c.1984del, p.Leu662fs (NM_001354895.2, NM_001127510.3, NM_001407450.1); c.2038del, p.Leu680fs (NM_001354896.2, NM_001407447.1, NM_001407448.1 and 1 more transcripts); c.1681del, p.Leu561fs (NM_001354903.2, NM_001407458.1, NM_001407459.1 and 1 more transcripts); c.2014del, p.Leu672fs (NM_001354897.2); c.1909del, p.Leu637fs (NM_001354898.2); c.1807del, p.Leu603fs (NM_001354901.2, NM_001407453.1); c.1900del, p.Leu634fs (NM_001354899.2); and 11 more; short protein forms L278fs, L379fs, L502fs, L533fs, L536fs, L561fs, L571fs, L579fs.
Identifiers: ClinVar variation 2584063 (VCV002584063.2), dbSNP rs2470263924, ClinGen allele CA2582341411.

ClinVar aggregate classification (germline): Pathogenic (1 of 4 stars; one submission).

Conditions:
Familial adenomatous polyposis 1 (FAP1). Also called: FAMILIAL ADENOMATOUS POLYPOSIS 1, ATTENUATED; POLYPOSIS, ADENOMATOUS INTESTINAL. Identifiers: MedGen C2713442, MONDO:0021056, OMIM 175100. Disease mechanism: loss of function.

Submission:

Myriad Genetics, Inc.
Classification: Pathogenic for Familial adenomatous polyposis 1. Last evaluated: 2023-05-03. Review status: criteria provided, single submitter. Criteria: Myriad Autosomal Dominant, Autosomal Recessive and X-Linked Classification Criteria (2023). Collection method: clinical testing. Allele origin: unknown.
Comment: This variant is considered pathogenic. This variant creates a frameshift predicted to result in premature protein truncation.